The following is an entry in ClinVar:

NM_006346.4(PIBF1):c.1423G>A (p.Glu475Lys)

Gene: PIBF1 (progesterone immunomodulatory binding factor 1; plus strand). Cytogenetic location: 13q22.1.
Variant type: single nucleotide variant.
Coding change: c.1423G>A on transcript NM_006346.4 (MANE Select); coding-DNA position 1423, G replaced by A.
Protein change: p.Glu475Lys; replaces glutamic acid 475 with lysine.
Molecular consequence: missense variant. On other transcripts: non-coding transcript variant (2).
Genome position (GRCh38, 1-based): chr13:72,893,884, G>A. VCF-style: chr13-72893884-G-A. GRCh37 (hg19) VCF-style: chr13-73468022-G-A.
Other names: c.1510G>A, p.Glu504Lys (NM_001349655.2); short protein forms E475K, E504K.
Identifiers: ClinVar variation 1368765 (VCV001368765.6), dbSNP rs957892150, ClinGen allele CA252580570.

ClinVar aggregate classification (germline): Uncertain significance (1 of 4 stars; one submission).

Allele frequency attached by ClinVar (database versions not stated): gnomAD exomes below 0.00001; gnomAD 0.00001; TOPMed 0.00002.
gnomAD v4.1: 1 of 1,608,128 alleles (0.000062%); highest among the groups gnomAD compares: African/African-American, 0.0013%; no homozygotes.

Submission:

Labcorp Genetics (formerly Invitae), Labcorp
Classification: Uncertain significance. Last evaluated: 2021-10-05. Review status: criteria provided, single submitter. Criteria: Invitae Variant Classification Sherloc (09022015). Collection method: clinical testing. Allele origin: germline.
Comment: This sequence change replaces glutamic acid with lysine at codon 475 of the PIBF1 protein (p.Glu475Lys). The glutamic acid residue is highly conserved and there is a small physicochemical difference between glutamic acid and lysine. This variant is not present in population databases (ExAC no frequency). This variant has not been reported in the literature in individuals affected with PIBF1-related conditions. Algorithms developed to predict the effect of missense changes on protein structure and function are either unavailable or do not agree on the potential impact of this missense change (SIFT: "Deleterious"; PolyPhen-2: "Probably Damaging"; Align-GVGD: "Class C15"). In summary, the available evidence is currently insufficient to determine the role of this variant in disease. Therefore, it has been classified as a Variant of Uncertain Significance.